The following is an entry in ClinVar:

NM_001080.3(ALDH5A1):c.1014+723_1173+796del

Genes: ALDH5A1 (aldehyde dehydrogenase 5 family member A1; plus strand), LOC129995983 (ATAC-STARR-seq lymphoblastoid silent region 16992; plus strand). Cytogenetic location: 6p22.3.
Variant type: Deletion.
Coding change: c.1014+723_1173+796del on transcript NM_001080.3 (MANE Select); 723 bases into the intron after coding-DNA position 1014 through 796 bases into the intron after coding-DNA position 1173, 2,455 bases deleted.
Molecular consequence: splice acceptor variant, splice donor variant.
Genome position (GRCh38, 1-based): chr6:24,521,267-24,523,721, 2,455 bases deleted. GRCh37 (hg19): chr6:24,521,495-24,523,949.
Other names: EX7DEL; c.870+723_1029+796del (NM_001368954.1).
Identifiers: ClinVar variation 1360 (VCV000001360.7), ClinGen allele CA251764.

ClinVar aggregate classification (germline): Likely pathogenic. Review status: criteria provided, single submitter (1 of 4 stars). 2 submissions from 2 submitters: Likely pathogenic (1). 1 of the submissions does not count toward it. Last evaluated 2021-03-08.

Conditions:
Succinate-semialdehyde dehydrogenase deficiency (SSADHD). Also called: 4-HYDROXYBUTYRIC ACIDURIA; SSADH DEFICIENCY; Succinic Semialdehyde Dehydrogenase Deficiency; GABA METABOLIC DEFECT. Identifiers: Orphanet 22, MedGen C0268631, MONDO:0010083, OMIM 271980.

Submissions (2):

Elsea Laboratory, Baylor College of Medicine
Classification: Likely pathogenic for Succinate-semialdehyde dehydrogenase deficiency. Last evaluated: 2021-03-08. Review status: criteria provided, single submitter. Criteria: Martin et al. (J Child Neurol. 2021). Collection method: curation. Allele origin: germline. Affected: yes.
Comment: affects isoform 1, long isoform

OMIM
Classification: Pathogenic for SUCCINIC SEMIALDEHYDE DEHYDROGENASE DEFICIENCY. Last evaluated: 2006-03-01. Review status: no assertion criteria provided. Collection method: literature only. Allele origin: germline. Not counted in ClinVar's aggregate classification.

Literature cited by the submitters: PubMed 16542398 (cited by Elsea Laboratory, Baylor College of Medicine and OMIM).